The following is an entry in ClinVar:

NM_198578.4(LRRK2):c.66G>T (p.Arg22Ser)

Gene: LRRK2 (leucine rich repeat kinase 2; plus strand). Cytogenetic location: 12q12.
Variant type: single nucleotide variant.
Coding change: c.66G>T on transcript NM_198578.4 (MANE Select); coding-DNA position 66, G replaced by T.
Protein change: p.Arg22Ser; replaces arginine 22 with serine.
Molecular consequence: missense variant.
Genome position (GRCh38, 1-based): chr12:40,225,197, G>T. VCF-style: chr12-40225197-G-T. GRCh37 (hg19) VCF-style: chr12-40618999-G-T.
Other names: short protein forms R22S.
Identifiers: ClinVar variation 1754994 (VCV001754994.2), dbSNP rs151283507, ClinGen allele CA384398434.
Genomic context (GRCh38, chr12:40,225,197, plus strand): 5'-TAGTGGCAGCTGTCAGGGGTGCGAAGAGGACGAGGAAACTCTGAAGAAGTTGATAGTCAG[G>T]CTGAACAATGTCCAGGAAGGAAAACAGATAGAAACGCTGGTCCAAATCCTGGAGGATCTG-3'
Protein context (NP_940980.4, residues 12-32): DEETLKKLIV[Arg22Ser]LNNVQEGKQI

ClinVar aggregate classification (germline): Uncertain significance (1 of 4 stars; one submission).

Conditions:
Inborn genetic diseases. Identifiers: MedGen C0950123, MeSH D030342.

Submission:

Ambry Genetics
Classification: Uncertain significance for Inborn genetic diseases. Last evaluated: 2021-06-18. Review status: criteria provided, single submitter. Criteria: Ambry Variant Classification Scheme 2023. Collection method: clinical testing. Allele origin: germline.
Comment: The p.R22S variant (also known as c.66G>T), located in coding exon 1 of the LRRK2 gene, results from a G to T substitution at nucleotide position 66. The arginine at codon 22 is replaced by serine, an amino acid with dissimilar properties. This amino acid position is conserved. In addition, the in silico prediction for this alteration is inconclusive. Since supporting evidence is limited at this time, the clinical significance of this alteration remains unclear.